The following is an entry in ClinVar:

NM_000064.4(C3):c.2263A>G (p.Ile755Val)

Gene: C3 (complement C3; minus strand). Cytogenetic location: 19p13.3.
Variant type: single nucleotide variant.
Coding change: c.2263A>G on transcript NM_000064.4 (MANE Select); coding-DNA position 2263, A replaced by G.
Protein change: p.Ile755Val; replaces isoleucine 755 with valine.
Molecular consequence: missense variant.
Genome position (GRCh38, 1-based): chr19:6,702,562, T>C on the plus strand (A>G on the coding strand, the complement: C3 is on the minus strand). VCF-style: chr19-6702562-T-C. GRCh37 (hg19) VCF-style: chr19-6702573-T-C.
Other names: short protein forms I755V.
Identifiers: ClinVar variation 4700998 (VCV004700998.1).

ClinVar aggregate classification (germline): Uncertain significance (1 of 4 stars; one submission).

gnomAD v4.1: 4 of 1,613,336 alleles (0.00025%); highest among the groups gnomAD compares: Non-Finnish European, 0.00034%; no homozygotes.

Submission:

Labcorp Genetics (formerly Invitae), Labcorp
Classification: Uncertain significance. Last evaluated: 2025-08-09. Review status: criteria provided, single submitter. Criteria: Invitae Variant Classification Sherloc (09022015). Collection method: clinical testing. Allele origin: germline.
Comment: This sequence change replaces isoleucine, which is neutral and non-polar, with valine, which is neutral and non-polar, at codon 755 of the C3 protein (p.Ile755Val). This variant is not present in population databases (gnomAD no frequency). This variant has not been reported in the literature in individuals affected with C3-related conditions. Invitae Evidence Modeling of protein sequence and biophysical properties (such as structural, functional, and spatial information, amino acid conservation, physicochemical variation, residue mobility, and thermodynamic stability) indicates that this missense variant is not expected to disrupt C3 protein function with a negative predictive value of 80%. In summary, the available evidence is currently insufficient to determine the role of this variant in disease. Therefore, it has been classified as a Variant of Uncertain Significance.